The following is an entry in ClinVar:

ClinVar aggregate classification (germline): Benign. Review status: criteria provided, multiple submitters, no conflicts (2 of 4 stars). 3 submissions from 3 submitters: Benign (2). 1 of the submissions does not count toward it. Last evaluated 2021-06-09.

Conditions:
PANX1-related disorder. Also called: PANX1-related condition.

Allele frequency attached by ClinVar (database versions not stated): ESP Exome Variant Server 0.10071; ExAC 0.10445; TOPMed 0.10614; 1000 Genomes Project 30x 0.13991; gnomAD 0.10312 and 0.10414; gnomAD exomes 0.10314; 1000 Genomes Project 0.14058.
gnomAD v4.1: 142,712 of 1,613,916 alleles (8.8%); highest among the groups gnomAD compares: East Asian, 24%; 7,333 homozygotes.

Submissions (3):

GeneDx
Classification: Benign. Last evaluated: 2021-06-09. Review status: criteria provided, single submitter. Criteria: GeneDx Variant Classification Process June 2021. Collection method: clinical testing. Allele origin: germline. Affected: yes.

Breakthrough Genomics
Classification: Benign. Review status: criteria provided, single submitter. Criteria: ACMG Guidelines, 2015. Collection method: not provided. Allele origin: germline. Inheritance: Autosomal dominant inheritance. Affected: yes.

PreventionGenetics, part of Exact Sciences
Classification: Benign for PANX1-related condition. Last evaluated: 2024-01-05. Review status: no assertion criteria provided. Collection method: clinical testing. Allele origin: germline. Not counted in ClinVar's aggregate classification.
Comment: This variant is classified as benign based on ACMG/AMP sequence variant interpretation guidelines (Richards et al. 2015 PMID: 25741868, with internal and published modifications).

NM_015368.4(PANX1):c.814A>G (p.Ile272Val)

Gene: PANX1 (pannexin 1; plus strand). Cytogenetic location: 11q21.
Variant type: single nucleotide variant.
Coding change: c.814A>G on transcript NM_015368.4 (MANE Select); coding-DNA position 814, A replaced by G.
Protein change: p.Ile272Val; replaces isoleucine 272 with valine.
Molecular consequence: missense variant.
Genome position (GRCh38, 1-based): chr11:94,179,870, A>G. VCF-style: chr11-94179870-A-G. GRCh37 (hg19) VCF-style: chr11-93913036-A-G.
Other names: short protein forms I272V.
Identifiers: ClinVar variation 1252537 (VCV001252537.5), dbSNP rs12793348, ClinGen allele CA6234110.